The following is an entry in ClinVar:

NM_138927.4(SON):c.995C>T (p.Ser332Phe)

Gene: SON (SON DNA and RNA binding protein; plus strand). Cytogenetic location: 21q22.11.
Variant type: single nucleotide variant.
Coding change: c.995C>T on transcript NM_138927.4 (MANE Select); coding-DNA position 995, C replaced by T.
Protein change: p.Ser332Phe; replaces serine 332 with phenylalanine.
Molecular consequence: missense variant. On other transcripts: non-coding transcript variant (1), intron variant (1).
Genome position (GRCh38, 1-based): chr21:33,550,226, C>T. VCF-style: chr21-33550226-C-T. GRCh37 (hg19) VCF-style: chr21-34922532-C-T.
Other names: c.995C>T, p.Ser332Phe (NM_001291411.2, NM_001412133.1, NM_032195.3 and 2 more transcripts); c.244+3847C>T (NM_001291412.3); short protein forms S332F.
Identifiers: ClinVar variation 2758890 (VCV002758890.3), dbSNP rs1006457910, ClinGen allele CA320149768.

ClinVar aggregate classification (germline): Uncertain significance (1 of 4 stars; one submission).

Allele frequency attached by ClinVar (database versions not stated): gnomAD exomes below 0.00001.

Submission:

Labcorp Genetics (formerly Invitae), Labcorp
Classification: Uncertain significance. Last evaluated: 2025-11-17. Review status: criteria provided, single submitter. Criteria: Invitae Variant Classification Sherloc (09022015). Collection method: clinical testing. Allele origin: germline.
Comment: This sequence change replaces serine, which is neutral and polar, with phenylalanine, which is neutral and non-polar, at codon 332 of the SON protein (p.Ser332Phe). This variant is not present in population databases (gnomAD no frequency). This variant has not been reported in the literature in individuals affected with SON-related conditions. ClinVar contains an entry for this variant (Variation ID: 2758890). An algorithm developed to predict the effect of missense changes on protein structure and function (PolyPhen-2) suggests that this variant is likely to be disruptive. In summary, the available evidence is currently insufficient to determine the role of this variant in disease. Therefore, it has been classified as a Variant of Uncertain Significance.